The following is an entry in ClinVar:

ClinVar aggregate classification (germline): Uncertain significance (1 of 4 stars; one submission).

Conditions:
Alpha thalassemia-X-linked intellectual disability syndrome (ATRX). Also called: ALPHA-THALASSEMIA/MENTAL RETARDATION SYNDROME, X-LINKED; ATR, NONDELETION TYPE; X-linked alpha-thalassemia-mental retardation syndrome; ATR-X syndrome; Alpha thalassemia mental retardation syndrome, nondeletion type, X-linked; XLMR hypotonic face syndrome. Identifiers: Orphanet 847, MedGen C1845055, MONDO:0010519, OMIM 301040.

Submission:

Labcorp Genetics (formerly Invitae), Labcorp
Classification: Uncertain significance for Alpha thalassemia-X-linked intellectual disability syndrome. Last evaluated: 2025-08-21. Review status: criteria provided, single submitter. Criteria: Invitae Variant Classification Sherloc (09022015). Collection method: clinical testing. Allele origin: germline.
Comment: This sequence change replaces alanine, which is neutral and non-polar, with aspartic acid, which is acidic and polar, at codon 1249 of the ATRX protein (p.Ala1249Asp). This variant is not present in population databases (gnomAD no frequency). This variant has not been reported in the literature in individuals affected with ATRX-related conditions. ClinVar contains an entry for this variant (Variation ID: 1716039). Invitae Evidence Modeling of protein sequence and biophysical properties (such as structural, functional, and spatial information, amino acid conservation, physicochemical variation, residue mobility, and thermodynamic stability) indicates that this missense variant is not expected to disrupt ATRX protein function with a negative predictive value of 95%. In summary, the available evidence is currently insufficient to determine the role of this variant in disease. Therefore, it has been classified as a Variant of Uncertain Significance.

NM_000489.6(ATRX):c.3746C>A (p.Ala1249Asp)

Gene: ATRX (ATRX chromatin remodeler; minus strand). Cytogenetic location: Xq21.1.
Variant type: single nucleotide variant.
Coding change: c.3746C>A on transcript NM_000489.6 (MANE Select); coding-DNA position 3746, C replaced by A.
Protein change: p.Ala1249Asp; replaces alanine 1249 with aspartic acid.
Molecular consequence: missense variant.
Genome position (GRCh38, 1-based): chrX:77,676,289, G>T on the plus strand (C>A on the coding strand, the complement: ATRX is on the minus strand). VCF-style: chrX-77676289-G-T. GRCh37 (hg19) VCF-style: chrX-76931784-G-T.
Other names: c.3632C>A, p.Ala1211Asp (NM_138270.5); short protein forms A1211D, A1249D.
Identifiers: ClinVar variation 1716039 (VCV001716039.6), dbSNP rs970081281, ClinGen allele CA331568729.